The following is an entry in ClinVar:

ClinVar aggregate classification (germline): Likely benign. Review status: criteria provided, multiple submitters, no conflicts (2 of 4 stars). 2 submissions from 2 submitters: Likely benign (2). Last evaluated 2025-09-11.

Conditions:
Cohen syndrome (COH1). Also called: Cutis verticis gyrata, retinitis pigmentosa, and sensorineural deafness; PEPPER SYNDROME. Identifiers: Orphanet 193, MedGen C0265223, MONDO:0008999, OMIM 216550.
VPS13B-related disorder. Also called: VPS13B-related condition.

Allele frequency attached by ClinVar (database versions not stated): gnomAD 0.00001; gnomAD exomes 0.00001 and 0.00002; ExAC 0.00002.
gnomAD v4.1: 12 of 1,613,658 alleles (0.00074%); highest among the groups gnomAD compares: Admixed American, 0.0017%; no homozygotes.

Submissions (2):

PreventionGenetics, part of Exact Sciences
Classification: Likely benign for VPS13B-related condition. Last evaluated: 2025-09-11. Review status: criteria provided, single submitter. Criteria: ACMG Guidelines, 2015. Collection method: clinical testing. Allele origin: germline.
Comment: This variant is classified as likely benign based on ACMG/AMP sequence variant interpretation guidelines (Richards et al. 2015 PMID: 25741868, with internal and published modifications).

Labcorp Genetics (formerly Invitae), Labcorp
Classification: Likely benign for Cohen syndrome. Last evaluated: 2024-02-12. Review status: criteria provided, single submitter. Criteria: Invitae Variant Classification Sherloc (09022015). Collection method: clinical testing. Allele origin: germline.

NM_152564.5(VPS13B):c.3522C>T (p.Cys1174=)

Gene: VPS13B (vacuolar protein sorting 13 homolog B; plus strand). Cytogenetic location: 8q22.2.
Variant type: single nucleotide variant.
Coding change: c.3522C>T on transcript NM_152564.5 (MANE Select); coding-DNA position 3522, C replaced by T.
Protein change: p.Cys1174=; no amino-acid change (cysteine 1174 retained).
Molecular consequence: synonymous variant.
Genome position (GRCh38, 1-based): chr8:99,467,490, C>T. VCF-style: chr8-99467490-C-T. GRCh37 (hg19) VCF-style: chr8-100479718-C-T.
Other names: c.3522C>T, p.Cys1174= (NM_017890.5); c.3522C>T (NM_152564.4).
Identifiers: ClinVar variation 750871 (VCV000750871.10), dbSNP rs772078846, ClinGen allele CA4823265.